The following is an entry in ClinVar:

NM_000718.4(CACNA1B):c.1017C>T (p.Leu339=)

Gene: CACNA1B (calcium voltage-gated channel subunit alpha1 B; plus strand). Cytogenetic location: 9q34.3.
Variant type: single nucleotide variant.
Coding change: c.1017C>T on transcript NM_000718.4 (MANE Select); coding-DNA position 1017, C replaced by T.
Protein change: p.Leu339=; no amino-acid change (leucine 339 retained).
Molecular consequence: synonymous variant.
Genome position (GRCh38, 1-based): chr9:137,952,324, C>T. VCF-style: chr9-137952324-C-T. GRCh37 (hg19) VCF-style: chr9-140846776-C-T.
Other names: c.1017C>T, p.Leu339= (NM_001243812.2).
Identifiers: ClinVar variation 2115526 (VCV002115526.28), dbSNP rs930231145, ClinGen allele CA201823798.
Genomic context (GRCh38, chr9:137,952,324, plus strand): 5'-TTGCTTCCAGACAAACGATGCGGCCGGCAACACCTGGAACTGGCTCTACTTCATCCCTCT[C>T]ATCATCATCGGCTCCTTCTTCATGCTCAACCTGGTGCTGGGCGTGCTCTCGGGGTGAGAG-3'
Protein context (NP_000709.1, residues 329-349): NTWNWLYFIP[Leu339=]IIIGSFFMLN

ClinVar aggregate classification (germline): Likely benign. Review status: criteria provided, multiple submitters, no conflicts (2 of 4 stars). 2 submissions from 2 submitters: Likely benign (2). Last evaluated 2025-06-02.

Submissions (2):

Labcorp Genetics (formerly Invitae), Labcorp
Classification: Likely benign. Last evaluated: 2025-06-02. Review status: criteria provided, single submitter. Criteria: Invitae Variant Classification Sherloc (09022015). Collection method: clinical testing. Allele origin: germline.

CeGaT Center for Human Genetics Tuebingen
Classification: Likely benign. Last evaluated: 2023-01-01. Review status: criteria provided, single submitter. Criteria: CeGaT Center For Human Genetics Tuebingen Variant Classification Criteria Version 2. Collection method: clinical testing. Allele origin: germline. Affected: yes. Observed: 1 variant allele.
Comment: CACNA1B: PM2:Supporting, BP4, BP7